The following is an entry in ClinVar:

ClinVar aggregate classification (germline): Uncertain significance (1 of 4 stars; one submission).

Conditions:
Cardiomyopathy (CMYO). Also called: Cardiomyopathies. Identifiers: Orphanet 167848, MedGen C0878544, MONDO:0004994, HP:0001638. Inheritance: Various modes of inheritance.

Submission:

Color Diagnostics, LLC DBA Color Health
Classification: Uncertain significance for Cardiomyopathy. Last evaluated: 2023-12-05. Review status: criteria provided, single submitter. Criteria: ACMG Guidelines, 2015. Collection method: clinical testing. Allele origin: germline.
Comment: Variant of Uncertain Significance due to insufficient evidence: This missense variant is located in the extracellular cadherin domain 3 of the DSG2 protein. Computational prediction tools and conservation analyses suggest that this variant may have deleterious impact on the protein function. Computational splicing tools suggest that this variant may not impact RNA splicing. To our knowledge, functional assays have not been performed for this variant nor has this variant been reported in individuals affected with cardiovascular disorders in the literature. This variant is rare in the general population and has been identified in 0/277264 chromosomes by the Genome Aggregation Database (gnomAD). Available evidence is insufficient to determine the role of this variant in disease conclusively.

NM_001943.5(DSG2):c.1151A>G (p.Glu384Gly)

Gene: DSG2 (desmoglein 2; plus strand). Cytogenetic location: 18q12.1.
Variant type: single nucleotide variant.
Coding change: c.1151A>G on transcript NM_001943.5 (MANE Select); coding-DNA position 1151, A replaced by G.
Protein change: p.Glu384Gly; replaces glutamic acid 384 with glycine.
Molecular consequence: missense variant.
Genome position (GRCh38, 1-based): chr18:31,531,123, A>G. VCF-style: chr18-31531123-A-G. GRCh37 (hg19) VCF-style: chr18-29111086-A-G.
Other names: short protein forms E384G.
Identifiers: ClinVar variation 925640 (VCV000925640.5), dbSNP rs2073195593, ClinGen allele CA402138855.
Genomic context (GRCh38, chr18:31,531,123, plus strand): 5'-TTAGGAGTAAATACAAGCCTACACCCATTCCCATCAAGGTCAAAGTGAAAAATGTGAAAG[A>G]AGGCATTCATTTTAAAAGCAGCGTCATCTCAATTTATGTTAGCGAGAGCATGGATAGATC-3'
Protein context (NP_001934.2, residues 374-394): PIKVKVKNVK[Glu384Gly]GIHFKSSVIS